The following is an entry in ClinVar:

ClinVar aggregate classification (germline): Uncertain significance (1 of 4 stars; one submission).

Conditions:
FG syndrome (FGS). Identifiers: MedGen C0220769, MONDO:0002010.

Submission:

Labcorp Genetics (formerly Invitae), Labcorp
Classification: Uncertain significance for FG syndrome. Last evaluated: 2025-11-07. Review status: criteria provided, single submitter. Criteria: Invitae Variant Classification Sherloc (09022015). Collection method: clinical testing. Allele origin: germline.
Comment: This sequence change is expected to alter the c-terminus of the MED12 protein (p.Gln2166Serfs*53). While this is not anticipated to result in nonsense mediated decay, it is expected to disrupt the last 12 amino acid(s) of the MED12 protein and extend the protein by 40 additional amino acid residues. This variant is not present in population databases (gnomAD no frequency). This variant has not been reported in the literature in individuals affected with MED12-related conditions. Experimental studies and prediction algorithms are not available or were not evaluated, and the functional significance of this variant is currently unknown. In summary, the available evidence is currently insufficient to determine the role of this variant in disease. Therefore, it has been classified as a Variant of Uncertain Significance.

NM_005120.3(MED12):c.6496del (p.Gln2166fs)

Gene: MED12 (mediator complex subunit 12; plus strand). Cytogenetic location: Xq13.1.
Variant type: Deletion.
Coding change: c.6496del on transcript NM_005120.3 (MANE Select); coding-DNA position 6496, one base deleted (C; older notation c.6496delC).
Protein change: p.Gln2166fs; shifts the reading frame from glutamine 2166.
Molecular consequence: frameshift variant.
Genome position (GRCh38, 1-based): chrX:71,142,180, C deleted; the last of 3 consecutive C bases (chrX:71,142,178-71,142,180); deleting any one gives the same sequence. VCF-style (leftmost placement, unchanged base first): chrX-71142177-AC-A. GRCh37 (hg19) VCF-style: chrX-70362027-AC-A.
Other names: short protein forms Q2166fs.
Identifiers: ClinVar variation 4730621 (VCV004730621.1).
Genomic context (GRCh38, chrX:71,142,177, plus strand): 5'-GTGCATACCCACACCCCTGCCTGGTCTTCCATCCCTGATAATCTCTGGTTTTTCACAGAT[AC>A]CCAGCCACAGCCCAGTACCAACATATTTGGACGCTACTGAGCCACCTGGAGGAACTGCTT-3'